The following is an entry in ClinVar:

NM_144997.7(FLCN):c.1041G>A (p.Lys347=)

Gene: FLCN (folliculin; minus strand). Cytogenetic location: 17p11.2.
Variant type: single nucleotide variant.
Coding change: c.1041G>A on transcript NM_144997.7 (MANE Select); coding-DNA position 1041, G replaced by A.
Protein change: p.Lys347=; no amino-acid change (lysine 347 retained).
Molecular consequence: synonymous variant.
Genome position (GRCh38, 1-based): chr17:17,219,040, C>T on the plus strand (G>A on the coding strand, the complement: FLCN is on the minus strand). VCF-style: chr17-17219040-C-T. GRCh37 (hg19) VCF-style: chr17-17122354-C-T.
Other names: c.1095G>A, p.Lys365= (NM_001353229.2); c.1041G>A, p.Lys347= (NM_001353230.2, NM_001353231.2).
Identifiers: ClinVar variation 1080428 (VCV001080428.8), dbSNP rs2047007077, ClinGen allele CA498163507.

ClinVar aggregate classification (germline): Benign/Likely benign. Review status: criteria provided, multiple submitters, no conflicts (2 of 4 stars). 2 submissions from 2 submitters: Benign (1); Likely benign (1). Last evaluated 2024-10-23.

Conditions:
Birt-Hogg-Dube syndrome 1 (BHD1). Also called: FIBROFOLLICULOMAS WITH TRICHODISCOMAS AND ACROCHORDONS. Identifiers: Orphanet 122, MedGen CN375946, MONDO:0800445, OMIM 135150.
Birt-Hogg-Dube syndrome. Also called: Birt Hogg Dubé syndrome. Identifiers: Orphanet 122, MedGen C0346010, MONDO:0800444.

Submissions (2):

Myriad Genetics, Inc.
Classification: Benign for Birt-Hogg-Dube syndrome 1. Last evaluated: 2024-10-23. Review status: criteria provided, single submitter. Criteria: Myriad Autosomal Dominant, Autosomal Recessive and X-Linked Classification Criteria (2023). Collection method: clinical testing. Allele origin: unknown.
Comment: This variant is considered benign. This variant is a silent/synonymous amino acid change and it is not expected to impact splicing.

Labcorp Genetics (formerly Invitae), Labcorp
Classification: Likely benign for Birt-Hogg-Dube syndrome. Last evaluated: 2020-02-12. Review status: criteria provided, single submitter. Criteria: Invitae Variant Classification Sherloc (09022015). Collection method: clinical testing. Allele origin: germline.